The following is an entry in ClinVar:

NM_000038.6(APC):c.2123A>G (p.Lys708Arg)

Gene: APC (APC regulator of Wnt signaling pathway; plus strand). Cytogenetic location: 5q22.2.
Variant type: single nucleotide variant.
Coding change: c.2123A>G on transcript NM_000038.6 (MANE Select); coding-DNA position 2123, A replaced by G.
Protein change: p.Lys708Arg; replaces lysine 708 with arginine.
Molecular consequence: missense variant.
Genome position (GRCh38, 1-based): chr5:112,837,717, A>G. VCF-style: chr5-112837717-A-G. GRCh37 (hg19) VCF-style: chr5-112173414-A-G.
Other names: c.2123A>G, p.Lys708Arg (NM_001127510.3, NM_001354895.2); c.2069A>G, p.Lys690Arg (NM_001127511.3); c.2177A>G, p.Lys726Arg (NM_001354896.2); c.2153A>G, p.Lys718Arg (NM_001354897.2); c.2048A>G, p.Lys683Arg (NM_001354898.2); c.2039A>G, p.Lys680Arg (NM_001354899.2); c.2000A>G, p.Lys667Arg (NM_001354900.2); c.1946A>G, p.Lys649Arg (NM_001354901.2); and 5 more; short protein forms K690R, K708R, K617R, K649R, K680R, K718R, K425R, K582R.
Identifiers: ClinVar variation 133508 (VCV000133508.23), dbSNP rs587778030, ClinGen allele CA007212.
Genomic context (GRCh38, chr5:112,837,717, plus strand): 5'-CAGCAAGAAATCCTAAAGACCAGGAAGCATTATGGGACATGGGGGCAGTTAGCATGCTCA[A>G]GAACCTCATTCATTCAAAGCACAAAATGATTGCTATGGGAAGTGCTGCAGCTTTAAGGAA-3'
Protein context (NP_000029.2, residues 698-718): LWDMGAVSML[Lys708Arg]NLIHSKHKMI

ClinVar aggregate classification (germline): Uncertain significance. Review status: criteria provided, multiple submitters, no conflicts (2 of 4 stars). 6 submissions from 6 submitters: Uncertain significance (5). 1 of the submissions does not count toward it. Last evaluated 2026-01-11.

Conditions:
Familial adenomatous polyposis 1 (FAP1). Also called: FAMILIAL ADENOMATOUS POLYPOSIS 1, ATTENUATED; POLYPOSIS, ADENOMATOUS INTESTINAL. Identifiers: MedGen C2713442, MONDO:0021056, OMIM 175100. Disease mechanism: loss of function.
Classic or attenuated familial adenomatous polyposis. Identifiers: MedGen CN372698, MONDO:0021057.
Hereditary cancer-predisposing syndrome. Also called: Tumor predisposition; Hereditary neoplastic syndrome; Neoplastic Syndromes, Hereditary; Hereditary Cancer Syndrome. Identifiers: Orphanet 140162, MedGen C0027672, MeSH D009386, MONDO:0015356.

Allele frequency attached by ClinVar (database versions not stated): gnomAD exomes below 0.00001; ExAC 0.00001; gnomAD 0.00001; TOPMed 0.00002.
gnomAD v4.1: 4 of 1,614,078 alleles (0.00025%); highest among the groups gnomAD compares: Admixed American, 0.005%; no homozygotes.

Submissions (6):

Labcorp Genetics (formerly Invitae), Labcorp
Classification: Uncertain significance for Familial adenomatous polyposis 1. Last evaluated: 2026-01-11. Review status: criteria provided, single submitter. Criteria: Invitae Variant Classification Sherloc (09022015). Collection method: clinical testing. Allele origin: germline.
Comment: This sequence change replaces lysine, which is basic and polar, with arginine, which is basic and polar, at codon 708 of the APC protein (p.Lys708Arg). This variant is present in population databases (rs587778030, gnomAD 0.007%). This variant has not been reported in the literature in individuals affected with APC-related conditions. ClinVar contains an entry for this variant (Variation ID: 133508). Invitae Evidence Modeling of protein sequence and biophysical properties (such as structural, functional, and spatial information, amino acid conservation, physicochemical variation, residue mobility, and thermodynamic stability) indicates that this missense variant is not expected to disrupt APC protein function with a negative predictive value of 95%. In summary, the available evidence is currently insufficient to determine the role of this variant in disease. Therefore, it has been classified as a Variant of Uncertain Significance.

Ambry Genetics
Classification: Uncertain significance for Hereditary cancer-predisposing syndrome. Last evaluated: 2025-11-26. Review status: criteria provided, single submitter. Criteria: Ambry Variant Classification Scheme 2023. Collection method: clinical testing. Allele origin: germline.

All of Us Research Program, National Institutes of Health
Classification: Uncertain significance for Classic or attenuated familial adenomatous polyposis. Last evaluated: 2023-09-17. Review status: criteria provided, single submitter. Criteria: ACMG Guidelines, 2015. Collection method: clinical testing. Allele origin: germline. Inheritance: Autosomal dominant inheritance. Observed: 2 variant alleles, 2 heterozygotes.
Comment: This missense variant replaces lysine with arginine at codon 708 of the APC protein. Computational prediction suggests that this variant may not impact protein structure and function (internally defined REVEL score threshold <= 0.5, PMID: 27666373). To our knowledge, functional studies have not been reported for this variant. This variant has not been reported in individuals affected with APC-related disorders in the literature. This variant has been identified in 1/250698 chromosomes in the general population by the Genome Aggregation Database (gnomAD). The available evidence is insufficient to determine the role of this variant in disease conclusively. Therefore, this variant is classified as a Variant of Uncertain Significance.

This study involves interpretation of variants in research participants for the purpose of population health screening. Participant phenotype was not available at the time of variant classification. Additional details can be found in publication PMID: 35346344, PMCID: PMC8962531

Baylor Genetics
Classification: Uncertain significance for Familial adenomatous polyposis 1. Last evaluated: 2023-05-17. Review status: criteria provided, single submitter. Criteria: ACMG Guidelines, 2015. Collection method: clinical testing. Allele origin: unknown.

Color Diagnostics, LLC DBA Color Health
Classification: Uncertain significance for Hereditary cancer-predisposing syndrome. Last evaluated: 2023-05-04. Review status: criteria provided, single submitter. Criteria: ACMG Guidelines, 2015. Collection method: clinical testing. Allele origin: germline.
Comment: This missense variant replaces lysine with arginine at codon 708 of the APC protein. Computational prediction suggests that this variant may not impact protein structure and function (internally defined REVEL score threshold <= 0.5, PMID: 27666373). To our knowledge, functional studies have not been reported for this variant. This variant has not been reported in individuals affected with APC-related disorders in the literature. This variant has been identified in 1/250698 chromosomes in the general population by the Genome Aggregation Database (gnomAD). The available evidence is insufficient to determine the role of this variant in disease conclusively. Therefore, this variant is classified as a Variant of Uncertain Significance.

ITMI
No classification provided. Condition: AllHighlyPenetrant. Last evaluated: 2013-09-19. Review status: no classification provided. Collection method: reference population. Allele origin: germline. Not counted in ClinVar's aggregate classification.
Comment: Please see associated publication for description of ethnicities

Literature cited by the submitters: PubMed 24728327 (cited by ITMI).